The following is an entry in ClinVar:

NM_002875.5(RAD51):c.590C>T (p.Thr197Ile)

Gene: RAD51 (RAD51 recombinase; plus strand). Cytogenetic location: 15q15.1.
Variant type: single nucleotide variant.
Coding change: c.590C>T on transcript NM_002875.5 (MANE Select); coding-DNA position 590, C replaced by T.
Protein change: p.Thr197Ile; replaces threonine 197 with isoleucine.
Molecular consequence: missense variant.
Genome position (GRCh38, 1-based): chr15:40,728,770, C>T. VCF-style: chr15-40728770-C-T. GRCh37 (hg19) VCF-style: chr15-41020968-C-T.
Other names: c.593C>T, p.Thr198Ile (NM_001164269.2, NM_133487.4); c.590C>T, p.Thr197Ile (NM_001164270.2); short protein forms T197I, T198I.
Identifiers: ClinVar variation 2500726 (VCV002500726.2), dbSNP rs2504524090, ClinGen allele CA391757313.
Genomic context (GRCh38, chr15:40,728,770, plus strand): 5'-GGTATGGTCTCTCTGGCAGTGATGTCCTGGATAATGTAGCATATGCTCGAGCGTTCAACA[C>T]AGACCACCAGACCCAGCTCCTTTATCAAGCATCAGCCATGATGGTAGAATCTAGGTATGT-3'
Protein context (NP_002866.2, residues 187-207): DNVAYARAFN[Thr197Ile]DHQTQLLYQA

ClinVar aggregate classification (germline): Likely pathogenic (1 of 4 stars; one submission).

Conditions:
Fanconi anemia complementation group R. Identifiers: MedGen C4284093, MONDO:0014986, OMIM 617244.

Submission:

Victorian Clinical Genetics Services, Murdoch Childrens Research Institute
Classification: Likely pathogenic for Fanconi anemia complementation group R. Last evaluated: 2022-02-02. Review status: criteria provided, single submitter. Criteria: ACMG Guidelines, 2015. Collection method: clinical testing. Allele origin: germline. Inheritance: Autosomal dominant inheritance. Affected: yes.
Comment: Based on the classification scheme VCGS_Germline_v1.3.4, this variant is classified as Likely pathogenic. Following criteria are met: 0103 - Dominant negative and loss of function are reported mechanisms of disease in this gene and are associated with complementation group R fanconi anemia (MIM#617244) and mirror movements 2 (MIM#614508), respectively (OMIM and PMIDs: 26253028, 26681308). (I) 0107 - This gene is associated with autosomal dominant disease. (I) 0200 - Variant is predicted to result in a missense amino acid change from threonine to isoleucine. (I) 0251 - This variant is heterozygous. (I) 0301 - Variant is absent from gnomAD (both v2 and v3). (SP) 0502 - Missense variant with conflicting in silico predictions and uninformative conservation. (I) 0600 - Variant is located in the annotated RAD51 domain (DECIPHER). (I) 0705 - No comparable missense variants have previous evidence for pathogenicity. (I) 0804 - This variant has previously been described as a variant of uncertain significance in an independent case with consistent phenotype despite being absent in the general population. It has been reported as de novo in an individual with intrauterine growth retardation and multiple congenital anomalies (DECIPHER). (SP) 0905 - No published segregation evidence has been identified for this variant. (I) 1007 - No published functional evidence has been identified for this variant. (SP) Legend: (SP) - Supporting pathogenic, (I) - Information, (SB) - Supporting benign

Literature cited by the submitters: PubMed 26253028; PubMed 26681308.